The following is an entry in ClinVar:

ClinVar aggregate classification (germline): Uncertain significance. Review status: criteria provided, multiple submitters, no conflicts (2 of 4 stars). 2 submissions from 2 submitters: Uncertain significance (2). Last evaluated 2024-05-13.

Conditions:
Cardiomyopathy (CMYO). Also called: Cardiomyopathies. Identifiers: Orphanet 167848, MedGen C0878544, MONDO:0004994, HP:0001638. Inheritance: Various modes of inheritance.
Cardiovascular phenotype. Identifiers: MedGen CN230736.

Submissions (2):

Color Diagnostics, LLC DBA Color Health
Classification: Uncertain significance for Cardiomyopathy. Last evaluated: 2024-05-13. Review status: criteria provided, single submitter. Criteria: ACMG Guidelines, 2015. Collection method: clinical testing. Allele origin: germline.
Comment: This missense variant replaces leucine with valine at codon 1058 of the DSP protein. Computational prediction suggests that this variant may not impact protein structure and function (internally defined REVEL score threshold <= 0.5, PMID: 27666373). To our knowledge, functional studies have not been reported for this variant. This variant has not been reported in individuals affected with DSP-related disorders in the literature. This variant has not been identified in the general population by the Genome Aggregation Database (gnomAD). The available evidence is insufficient to determine the role of this variant in disease conclusively. Therefore, this variant is classified as a Variant of Uncertain Significance.

Ambry Genetics
Classification: Uncertain significance for Cardiovascular phenotype. Last evaluated: 2019-02-16. Review status: criteria provided, single submitter. Criteria: Ambry Variant Classification Scheme 2023. Collection method: clinical testing. Allele origin: germline.
Comment: The p.L1058V variant (also known as c.3172C>G), located in coding exon 23 of the DSP gene, results from a C to G substitution at nucleotide position 3172. The leucine at codon 1058 is replaced by valine, an amino acid with highly similar properties. This amino acid position is highly conserved in available vertebrate species. In addition, the in silico prediction for this alteration is inconclusive. Since supporting evidence is limited at this time, the clinical significance of this alteration remains unclear.

NM_004415.4(DSP):c.3172C>G (p.Leu1058Val)

Gene: DSP (desmoplakin; plus strand). Cytogenetic location: 6p24.3.
Variant type: single nucleotide variant.
Coding change: c.3172C>G on transcript NM_004415.4 (MANE Select); coding-DNA position 3172, C replaced by G.
Protein change: p.Leu1058Val; replaces leucine 1058 with valine.
Molecular consequence: missense variant.
Genome position (GRCh38, 1-based): chr6:7,579,362, C>G. VCF-style: chr6-7579362-C-G. GRCh37 (hg19) VCF-style: chr6-7579595-C-G.
Other names: c.3172C>G, p.Leu1058Val (NM_001008844.3, NM_001319034.2); short protein forms L1058V.
Identifiers: ClinVar variation 1728449 (VCV001728449.3), dbSNP rs2533922495, ClinGen allele CA362683214.